The following is an entry in ClinVar:

ClinVar aggregate classification (germline): Conflicting classifications of pathogenicity. Review status: criteria provided, conflicting classifications (1 of 4 stars). 4 submissions from 4 submitters: Uncertain significance (3); Likely benign (1). Last evaluated 2024-09-23.

Conditions:
Myopathy, distal, 6, adult-onset, autosomal dominant. Identifiers: MedGen C5203349, MONDO:0032853, OMIM 618655.
Myopathy, congenital, with structured cores and z-line abnormalities. Also called: CONGENITAL MYOPATHY 8; MULTIPLE STRUCTURED CORE DISEASE. Identifiers: MedGen C5231445, MONDO:0032852, OMIM 618654.
Dilated cardiomyopathy 1AA (CMD1AA). Also called: Cardiomyopathy, dilated, 1AA, with or without LVNC; CARDIOMYOPATHY, DILATED, 1AA, WITH OR WITHOUT LEFT VENTRICULAR NONCOMPACTION; CARDIOMYOPATHY, FAMILIAL HYPERTROPHIC, 23, WITH OR WITHOUT LEFT VENTRICULAR NONCOMPACTION. Identifiers: Orphanet 154, MedGen C2677338, MONDO:0012808, OMIM 612158.
Cardiovascular phenotype. Identifiers: MedGen CN230736.
Primary familial hypertrophic cardiomyopathy (HCM). Identifiers: Orphanet 99739, MedGen C0949658, MeSH D024741, MONDO:0024573. Inheritance: Various modes of inheritance.

Allele frequency attached by ClinVar (database versions not stated): gnomAD 0.00001; ESP Exome Variant Server 0.00008; ExAC 0.00002; TOPMed 0.00002.
gnomAD v4.1: 20 of 1,613,992 alleles (0.0012%); highest among the groups gnomAD compares: Middle Eastern, 0.016%; no homozygotes.

Submissions (4):

Labcorp Genetics (formerly Invitae), Labcorp
Classification: Likely benign for Primary familial hypertrophic cardiomyopathy; Dilated cardiomyopathy 1AA. Last evaluated: 2024-09-23. Review status: criteria provided, single submitter. Criteria: Invitae Variant Classification Sherloc (09022015). Collection method: clinical testing. Allele origin: germline.

Ambry Genetics
Classification: Uncertain significance for Cardiovascular phenotype. Last evaluated: 2021-12-14. Review status: criteria provided, single submitter. Criteria: Ambry Variant Classification Scheme 2023. Collection method: clinical testing. Allele origin: germline.

Fulgent Genetics
Classification: Uncertain significance for Dilated cardiomyopathy 1AA; Myopathy, congenital, with structured cores and z-line abnormalities; Myopathy, distal, 6, adult-onset, autosomal dominant. Last evaluated: 2021-09-29. Review status: criteria provided, single submitter. Criteria: ACMG Guidelines, 2015. Collection method: clinical testing. Allele origin: unknown.

Laboratory for Molecular Medicine, Mass General Brigham Personalized Medicine
Classification: Uncertain significance. Last evaluated: 2012-05-02. Review status: criteria provided, single submitter. Criteria: LMM Criteria. Collection method: clinical testing. Allele origin: germline. Observed: 1 variant allele.
Comment: Variant classified as Uncertain Significance - Favor Pathogenic. The Ala462Ser v ariant (ACTN2) has not been reported in the literature nor previously identified by our laboratory. Alanine (Ala) at position 462 is highly conserved across evo lutionarily distant speicies, and computational analyses (biochemical amino acid properties, AlignGVGD, PolyPhen2, and SIFT) suggest that this variant may impac t the protein, though this information is not predictive enough to determine pat hogenicity. Additional information is needed to fully assess the clinical signif icance of the Ala462Ser variant.

NM_001103.4(ACTN2):c.1384G>T (p.Ala462Ser)

Gene: ACTN2 (actinin alpha 2; plus strand). Cytogenetic location: 1q43.
Variant type: single nucleotide variant.
Coding change: c.1384G>T on transcript NM_001103.4 (MANE Select); coding-DNA position 1384, G replaced by T.
Protein change: p.Ala462Ser; replaces alanine 462 with serine.
Molecular consequence: missense variant.
Genome position (GRCh38, 1-based): chr1:236,744,754, G>T. VCF-style: chr1-236744754-G-T. GRCh37 (hg19) VCF-style: chr1-236908054-G-T.
Other names: c.1384G>T, p.Ala462Ser (NM_001278343.2); c.760G>T, p.Ala254Ser (NM_001278344.2); short protein forms A462S, A254S.
Identifiers: ClinVar variation 43905 (VCV000043905.12), dbSNP rs376923220, ClinGen allele CA133130.